The following is an entry in ClinVar:

ClinVar aggregate classification (germline): Uncertain significance (1 of 4 stars; one submission).

Conditions:
Fanconi anemia complementation group E (FANCE). Also called: FANCE-Related Fanconi Anemia. Identifiers: Orphanet 84, MedGen C3160739, MONDO:0010953, OMIM 600901.

Allele frequency attached by ClinVar (database versions not stated): gnomAD 0.00001 and 0.00002; TOPMed 0.00003; ExAC 0.00008; ESP Exome Variant Server 0.00008; 1000 Genomes Project 30x 0.00016; 1000 Genomes Project 0.00020.
gnomAD v4.1: 36 of 1,614,026 alleles (0.0022%); highest among the groups gnomAD compares: South Asian, 0.0066%; no homozygotes.

Submission:

Labcorp Genetics (formerly Invitae), Labcorp
Classification: Uncertain significance for Fanconi anemia complementation group E. Last evaluated: 2025-01-06. Review status: criteria provided, single submitter. Criteria: Invitae Variant Classification Sherloc (09022015). Collection method: clinical testing. Allele origin: germline.
Comment: This sequence change replaces arginine, which is basic and polar, with histidine, which is basic and polar, at codon 200 of the FANCE protein (p.Arg200His). This variant is present in population databases (rs150278839, gnomAD 0.01%). This variant has not been reported in the literature in individuals affected with FANCE-related conditions. ClinVar contains an entry for this variant (Variation ID: 957400). Invitae Evidence Modeling of protein sequence and biophysical properties (such as structural, functional, and spatial information, amino acid conservation, physicochemical variation, residue mobility, and thermodynamic stability) indicates that this missense variant is not expected to disrupt FANCE protein function with a negative predictive value of 80%. In summary, the available evidence is currently insufficient to determine the role of this variant in disease. Therefore, it has been classified as a Variant of Uncertain Significance.

NM_021922.3(FANCE):c.599G>A (p.Arg200His)

Gene: FANCE (FA complementation group E; plus strand). Cytogenetic location: 6p21.31.
Variant type: single nucleotide variant.
Coding change: c.599G>A on transcript NM_021922.3 (MANE Select); coding-DNA position 599, G replaced by A.
Protein change: p.Arg200His; replaces arginine 200 with histidine.
Molecular consequence: missense variant.
Genome position (GRCh38, 1-based): chr6:35,456,097, G>A. VCF-style: chr6-35456097-G-A. GRCh37 (hg19) VCF-style: chr6-35423874-G-A.
Other names: short protein forms R200H.
Identifiers: ClinVar variation 957400 (VCV000957400.9), dbSNP rs150278839, ClinGen allele CA3771447.
Genomic context (GRCh38, chr6:35,456,097, plus strand): 5'-CCCCCCAGGCTCCAGACCCTGAAGAAGAGGAGAACAGGGACTCCCAGCAGCCTGGGAAAC[G>A]CAGAAAGGACTCAGAGGAAGAGGCTGCCAGTCCTGAGGGGAAGAGGGTCCCCAAAAGATT-3'
Protein context (NP_068741.1, residues 190-210): ENRDSQQPGK[Arg200His]RKDSEEEAAS